The following is an entry in ClinVar:

ClinVar aggregate classification (germline): Likely pathogenic (0 of 4 stars; one submission).

Conditions:
Autism spectrum disorder. Also called: Autism spectrum disorders. Identifiers: MedGen C1510586, MeSH D000067877, MONDO:0005258.

Submission:

Department of Medical Genetics, Capital Institute of Pediatrics
Classification: Likely pathogenic for Autism Spectrum Disorder. Last evaluated: 2024-07-03. Review status: no assertion criteria provided. Collection method: research. Allele origin: unknown. Affected: yes.
Comment: PVS1+PM2_Supporting

Literature cited by the submitters: PubMed 39419027.

NM_001039469.3(MARK2):c.258_259dup (p.Thr87fs)

Gene: MARK2 (microtubule affinity regulating kinase 2; plus strand). Cytogenetic location: 11q13.1.
Variant type: Duplication.
Coding change: c.258_259dup on transcript NM_001039469.3 (MANE Select); coding-DNA positions 258 to 259, 2 bases duplicated (GA; older notation c.258_259dupGA).
Protein change: p.Thr87fs; shifts the reading frame from threonine 87.
Molecular consequence: frameshift variant.
Genome position (GRCh38, 1-based): chr11:63,895,603-63,895,604, GA duplicated; duplicating any 2 consecutive bases within chr11:63,895,602-63,895,604 gives the same sequence; the c. name uses the placement nearest the transcript's 3' end. VCF-style (leftmost placement, unchanged base first): chr11-63895601-A-AAG. GRCh37 (hg19) VCF-style: chr11-63663073-A-AAG.
Other names: c.258_259dup, p.Thr87fs (NM_001163296.2, NM_001163297.2, NM_004954.5); c.159_160dup, p.Thr54fs (NM_017490.4); short protein forms T54fs, T87fs.
Identifiers: ClinVar variation 3253644 (VCV003253644.2), dbSNP rs2539306304.